The following is an entry in ClinVar:

NM_182931.3(KMT2E):c.1816A>C (p.Ser606Arg)

Gene: KMT2E (lysine methyltransferase 2E (inactive); plus strand). Cytogenetic location: 7q22.3.
Variant type: single nucleotide variant.
Coding change: c.1816A>C on transcript NM_182931.3 (MANE Select); coding-DNA position 1816, A replaced by C.
Protein change: p.Ser606Arg; replaces serine 606 with arginine.
Molecular consequence: missense variant.
Genome position (GRCh38, 1-based): chr7:105,101,518, A>C. VCF-style: chr7-105101518-A-C. GRCh37 (hg19) VCF-style: chr7-104741965-A-C.
Other names: c.1816A>C, p.Ser606Arg (NM_001410908.1, NM_018682.4); short protein forms S606R.
Identifiers: ClinVar variation 5008644 (VCV005008644.1).

ClinVar aggregate classification (germline): Uncertain significance (1 of 4 stars; one submission).

Submission:

GeneDx
Classification: Uncertain significance. Last evaluated: 2026-03-09. Review status: criteria provided, single submitter. Criteria: GeneDx Variant Classification Process June 2021. Collection method: clinical testing. Allele origin: germline.
Comment: Not observed at significant frequency in large population cohorts (gnomAD); In silico analysis supports that this missense variant has a deleterious effect on protein structure/function; Has not been previously published as pathogenic or benign to our knowledge